The following is an entry in ClinVar:

NM_000252.3(MTM1):c.350_351del (p.Arg117fs)

Gene: MTM1 (myotubularin 1; plus strand). Cytogenetic location: Xq28.
Variant type: Microsatellite.
Coding change: c.350_351del on transcript NM_000252.3 (MANE Select); coding-DNA positions 350 to 351, 2 bases deleted (GA; older notation c.350_351delGA).
Protein change: p.Arg117fs; shifts the reading frame from arginine 117.
Molecular consequence: frameshift variant.
Genome position (GRCh38, 1-based): chrX:150,619,045-150,619,046, GA deleted; deleting any 2 consecutive bases within chrX:150,619,043-150,619,046 gives the same sequence; the c. name uses the placement nearest the transcript's 3' end. VCF-style (leftmost placement, unchanged base first): chrX-150619042-TGA-T. GRCh37 (hg19) VCF-style: chrX-149787515-TGA-T.
Other names: c.239_240del, p.Arg80fs (NM_001376907.1); c.350_351del, p.Arg117fs (NM_001376908.1, NM_001376906.1); short protein forms R117fs, R80fs.
Identifiers: ClinVar variation 1724012 (VCV001724012.2), dbSNP rs2522253384, ClinGen allele CA2580612503.

ClinVar aggregate classification (germline): Likely pathogenic (1 of 4 stars; one submission).

Conditions:
Severe X-linked myotubular myopathy (CNMX). Also called: MYOTUBULAR MYOPATHY 1; Myotubular myopathy, X-linked; X-linked centronuclear myopathy. Identifiers: Orphanet 596, MedGen C0410203, MONDO:0010683, OMIM 310400.

Submission:

Myriad Genetics, Inc.
Classification: Likely pathogenic for Severe X-linked myotubular myopathy. Last evaluated: 2022-01-23. Review status: criteria provided, single submitter. Criteria: Myriad Women's Health Autosomal Recessive and X-Linked Classification Criteria (2021). Collection method: clinical testing. Allele origin: unknown.
Comment: NM_000252.2(MTM1):c.350_351delGA(R117Kfs*18) is expected to be pathogenic in the context of X-linked myotubular myopathy. This variant is predicted to lead to an abnormal or absent protein product due to the creation of a premature termination codon in MTM1, a gene where loss-of-function variants are known to be pathogenic. Please note: this variant was assessed in the context of healthy population screening.